The following is an entry in ClinVar:

NM_001080477.4(TENM3):c.7269A>T (p.Gly2423=)

Gene: TENM3 (teneurin transmembrane protein 3; plus strand). Cytogenetic location: 4q35.1.
Variant type: single nucleotide variant.
Coding change: c.7269A>T on transcript NM_001080477.4 (MANE Select); coding-DNA position 7269, A replaced by T.
Protein change: p.Gly2423=; no amino-acid change (glycine 2423 retained).
Molecular consequence: synonymous variant.
Genome position (GRCh38, 1-based): chr4:182,796,692, A>T. VCF-style: chr4-182796692-A-T. GRCh37 (hg19) VCF-style: chr4-183717845-A-T.
Other names: c.6501A>T, p.Gly2167= (NM_001415960.1); c.6474A>T, p.Gly2158= (NM_001415961.1); c.6471A>T, p.Gly2157= (NM_001415962.1); c.6453A>T, p.Gly2151= (NM_001415963.1); c.6450A>T, p.Gly2150= (NM_001415964.1); c.6987A>T, p.Gly2329= (NM_001415966.1); c.7011A>T, p.Gly2337= (NM_001415967.1); c.7287A>T, p.Gly2429= (NM_001415968.1); and 5 more.
Identifiers: ClinVar variation 2060883 (VCV002060883.5), dbSNP rs76754407, ClinGen allele CA3148909.
Genomic context (GRCh38, chr4:182,796,692, plus strand): 5'-CCTAGATGTTAACAGCTGGCTGGTGACATTTGGTTTCCATCTGCACAATGCTATTCCTGG[A>T]TTCCCTGTTCCCAAATTTGATTTAACAGAACCTTCTTACGAACTTGTGAAGAGTCAGCAG-3'
Protein context (NP_001073946.1, residues 2413-2433): FGFHLHNAIP[Gly2423=]FPVPKFDLTE

ClinVar aggregate classification (germline): Benign. Review status: criteria provided, single submitter (1 of 4 stars). 2 submissions from 2 submitters: Benign (1). 1 of the submissions does not count toward it. Last evaluated 2025-05-20.

Conditions:
TENM3-related disorder. Also called: TENM3-related condition.

Allele frequency attached by ClinVar (database versions not stated): gnomAD exomes 0.00022; gnomAD 0.00029; ESP Exome Variant Server 0.00033; TOPMed 0.00037; ExAC 0.00049; 1000 Genomes Project 30x 0.00078; 1000 Genomes Project 0.00100.
gnomAD v4.1: 381 of 1,613,202 alleles (0.024%); highest among the groups gnomAD compares: East Asian, 0.75%; 2 homozygotes.

Submissions (2):

Labcorp Genetics (formerly Invitae), Labcorp
Classification: Benign. Last evaluated: 2025-05-20. Review status: criteria provided, single submitter. Criteria: Invitae Variant Classification Sherloc (09022015). Collection method: clinical testing. Allele origin: germline.

PreventionGenetics, part of Exact Sciences
Classification: Likely benign for TENM3-related condition. Last evaluated: 2024-03-08. Review status: no assertion criteria provided. Collection method: clinical testing. Allele origin: germline. Not counted in ClinVar's aggregate classification.
Comment: This variant is classified as likely benign based on ACMG/AMP sequence variant interpretation guidelines (Richards et al. 2015 PMID: 25741868, with internal and published modifications).